The following is an entry in ClinVar:

NM_001282531.3(ADNP):c.659G>A (p.Ser220Asn)

Gene: ADNP (activity dependent neuroprotector homeobox; minus strand). Cytogenetic location: 20q13.13.
Variant type: single nucleotide variant.
Coding change: c.659G>A on transcript NM_001282531.3 (MANE Select); coding-DNA position 659, G replaced by A.
Protein change: p.Ser220Asn; replaces serine 220 with asparagine.
Molecular consequence: missense variant.
Genome position (GRCh38, 1-based): chr20:50,894,055, C>T on the plus strand (G>A on the coding strand, the complement: ADNP is on the minus strand). VCF-style: chr20-50894055-C-T. GRCh37 (hg19) VCF-style: chr20-49510592-C-T.
Other names: c.659G>A, p.Ser220Asn (NM_001282532.2, NM_001347511.2, NM_015339.5 and 1 more transcripts); short protein forms S220N.
Identifiers: ClinVar variation 2915525 (VCV002915525.3), dbSNP rs541069847, ClinGen allele CA9908849.

ClinVar aggregate classification (germline): Uncertain significance (1 of 4 stars; one submission).

Allele frequency attached by ClinVar (database versions not stated): gnomAD 0.00002; 1000 Genomes Project 30x 0.00031; 1000 Genomes Project 0.00040.

Submission:

Labcorp Genetics (formerly Invitae), Labcorp
Classification: Uncertain significance. Last evaluated: 2023-06-16. Review status: criteria provided, single submitter. Criteria: Invitae Variant Classification Sherloc (09022015). Collection method: clinical testing. Allele origin: germline.
Comment: This sequence change replaces serine, which is neutral and polar, with asparagine, which is neutral and polar, at codon 220 of the ADNP protein (p.Ser220Asn). This variant is present in population databases (rs541069847, gnomAD 0.02%). This missense change has been observed in individual(s) with autism (PMID: 30564305). Algorithms developed to predict the effect of missense changes on protein structure and function output the following: SIFT: "Not Available"; PolyPhen-2: "Benign"; Align-GVGD: "Not Available". The asparagine amino acid residue is found in multiple mammalian species, which suggests that this missense change does not adversely affect protein function. In summary, the available evidence is currently insufficient to determine the role of this variant in disease. Therefore, it has been classified as a Variant of Uncertain Significance.

Literature cited by the submitters: PubMed 30564305.